The following is an entry in ClinVar:

ClinVar aggregate classification (germline): Uncertain significance (1 of 4 stars; one submission).

Conditions:
Bardet-Biedl syndrome 16 (BBS16). Identifiers: Orphanet 110, MedGen C3889474, MONDO:0014444, OMIM 615993.
Senior-Loken syndrome 7 (SLSN7). Identifiers: Orphanet 3156, MedGen C3150877, MONDO:0013326, OMIM 613615.

gnomAD v4.1: 2 of 1,614,022 alleles (0.00012%); highest among the groups gnomAD compares: East Asian, 0.0022%; no homozygotes.

Submission:

Labcorp Genetics (formerly Invitae), Labcorp
Classification: Uncertain significance for Bardet-Biedl syndrome 16; Senior-Loken syndrome 7. Last evaluated: 2022-07-12. Review status: criteria provided, single submitter. Criteria: Invitae Variant Classification Sherloc (09022015). Collection method: clinical testing. Allele origin: germline.
Comment: In summary, the available evidence is currently insufficient to determine the role of this variant in disease. Therefore, it has been classified as a Variant of Uncertain Significance. Algorithms developed to predict the effect of sequence changes on RNA splicing suggest that this variant may disrupt the consensus splice site. Algorithms developed to predict the effect of missense changes on protein structure and function (SIFT, PolyPhen-2, Align-GVGD) all suggest that this variant is likely to be tolerated. This variant has not been reported in the literature in individuals affected with SDCCAG8-related conditions. This variant is not present in population databases (gnomAD no frequency). This sequence change replaces threonine, which is neutral and polar, with arginine, which is basic and polar, at codon 329 of the SDCCAG8 protein (p.Thr329Arg).

NM_006642.5(SDCCAG8):c.986C>G (p.Thr329Arg)

Gene: SDCCAG8 (SHH signaling and ciliogenesis regulator SDCCAG8; plus strand). Cytogenetic location: 1q43.
Variant type: single nucleotide variant.
Coding change: c.986C>G on transcript NM_006642.5 (MANE Select); coding-DNA position 986, C replaced by G.
Protein change: p.Thr329Arg; replaces threonine 329 with arginine.
Molecular consequence: missense variant.
Genome position (GRCh38, 1-based): chr1:243,316,811, C>G. VCF-style: chr1-243316811-C-G. GRCh37 (hg19) VCF-style: chr1-243480113-C-G.
Other names: c.83C>G, p.Thr28Arg (NM_001350246.2, NM_001350247.2, NM_001350251.2); c.1082C>G, p.Thr361Arg (NM_001350248.2); c.692C>G, p.Thr231Arg (NM_001350249.2); short protein forms T28R, T329R, T361R, T231R.
Identifiers: ClinVar variation 2015258 (VCV002015258.4), dbSNP rs35859404, ClinGen allele CA345480754.